The following is an entry in ClinVar:

ClinVar aggregate classification (germline): Likely pathogenic (3 of 4 stars; one submission).

Conditions:
Glanzmann thrombasthenia. Also called: PLATELET GLYCOPROTEIN IIb-IIIa DEFICIENCY; BLEEDING DISORDER, PLATELET-TYPE, 2; THROMBASTHENIA OF GLANZMANN AND NAEGELI; Thrombasthenia; Glanzmann's thrombasthenia. Identifiers: Orphanet 849, MedGen C0040015, MONDO:0100326.

Submission:

ClinGen Platelet Disorders Variant Curation Expert Panel, ClinGen
Classification: Likely pathogenic for Glanzmann thrombasthenia. Last evaluated: 2025-06-19. Review status: reviewed by expert panel. Criteria: ClinGen Platelet ACMG Specifications v2-1. Collection method: curation. Allele origin: germline. Inheritance: Autosomal recessive inheritance.
Comment: The NM_000212.3(ITGB3):c.1595G>T (p.Cys532Phe) missense variant has been reported in at least one patient (Case 10 in PMID: 34066320) who displayed mucocutaneous bleeding and impaired aggregation with all agonists except ristocetin, which is highly specific for Glanzmann thrombasthenia (PP4_moderate). This variant is absent from gnomAD v4.1 (PM2_Supporting). The computational predictor REVEL gives a score of 0.965, which is above the ClinGen PD VCEP threshold of >0.7 and predicts a damaging effect on function (PP3). Two different missense variants, Cys532Tyr and Cys532Arg, in the same codon as Cys532Phe, have been classified as likely pathogenic for Glanzmann thrombasthenia by the ClinGen PD VCEP (PM5). In summary, this variant meets the criteria to be classified as likely pathogenic for autosomal recessive Glanzmann Thrombasthenia based on the ACMG/AMP criteria applied, as specified by the ClinGen PD VCEP: PM2_supporting, PM5, PP3, PP4_moderate.

NM_000212.3(ITGB3):c.1595G>T (p.Cys532Phe)

Gene: ITGB3 (integrin subunit beta 3; plus strand). Cytogenetic location: 17q21.32.
Variant type: single nucleotide variant.
Coding change: c.1595G>T on transcript NM_000212.3 (MANE Select); coding-DNA position 1595, G replaced by T.
Protein change: p.Cys532Phe; replaces cysteine 532 with phenylalanine.
Molecular consequence: missense variant.
Genome position (GRCh38, 1-based): chr17:47,292,473, G>T. VCF-style: chr17-47292473-G-T. GRCh37 (hg19) VCF-style: chr17-45369839-G-T.
Other names: NM_000212.3:c.1595G>T; short protein forms C532F.
Identifiers: ClinVar variation 1879032 (VCV001879032.2), dbSNP rs2065130922, ClinGen allele CA400029961.